The following is an entry in ClinVar:

ClinVar aggregate classification (germline): Conflicting classifications of pathogenicity. Review status: criteria provided, conflicting classifications (1 of 4 stars). 2 submissions from 2 submitters: Pathogenic (1); Uncertain significance (1). Last evaluated 2025-11-05.

Conditions:
Hereditary cancer-predisposing syndrome. Also called: Neoplastic Syndromes, Hereditary; Tumor predisposition; Hereditary Cancer Syndrome; Hereditary neoplastic syndrome. Identifiers: Orphanet 140162, MedGen C0027672, MeSH D009386, MONDO:0015356.
Familial adenomatous polyposis 1 (FAP1). Also called: FAMILIAL ADENOMATOUS POLYPOSIS 1, ATTENUATED; POLYPOSIS, ADENOMATOUS INTESTINAL. Identifiers: MedGen C2713442, MONDO:0021056, OMIM 175100. Disease mechanism: loss of function.

Submissions (2):

Labcorp Genetics (formerly Invitae), Labcorp
Classification: Uncertain significance for Familial adenomatous polyposis 1. Last evaluated: 2025-11-05. Review status: criteria provided, single submitter. Criteria: Invitae Variant Classification Sherloc (09022015). Collection method: clinical testing. Allele origin: germline.
Comment: This sequence change creates a premature translational stop signal (p.Tyr2838*) in the APC gene. While this is not anticipated to result in nonsense mediated decay, it is expected to disrupt the last 6 amino acid(s) of the APC protein. This variant is not present in population databases (gnomAD no frequency). This premature translational stop signal has been observed in individual(s) with clinical features of familial adenomatous polyposis (internal data). ClinVar contains an entry for this variant (Variation ID: 233392). In summary, the available evidence is currently insufficient to determine the role of this variant in disease. Therefore, it has been classified as a Variant of Uncertain Significance.

Ambry Genetics
Classification: Pathogenic for Hereditary cancer-predisposing syndrome. Last evaluated: 2021-11-30. Review status: criteria provided, single submitter. Criteria: Ambry Variant Classification Scheme 2023. Collection method: clinical testing. Allele origin: germline.
Comment: The p.Y2838* variant (also known as c.8514C>G), located in coding exon 15 of the APC gene, results from a C to G substitution at nucleotide position 8514. This changes the amino acid from a tyrosine to a stop codon within coding exon 15. This alteration occurs at the 3' terminus of the APC gene, is not expected to trigger nonsense mediated mRNA decay, and only impacts the last 6 amino acids of the protein. However, premature stop codons are typically deleterious in nature and structural analysis suggests this deletion removes a known motif (Thr2841-Ser2842-Val2843) needed for protein binding involved in regulation of protein function (Slep KC et al, PLoS ONE 2012; 7(11):e50097; Zhang Z et al, PLoS ONE 2011; 6(8):e23507). This variant was not reported in population-based cohorts in the Genome Aggregation Database (gnomAD). Based on the majority of available evidence to date, this variant is likely to be pathogenic.

Literature cited by the submitters: PubMed 26845104 (cited by Ambry Genetics).

NM_000038.6(APC):c.8514C>G (p.Tyr2838Ter)

Gene: APC (APC regulator of Wnt signaling pathway; plus strand). Cytogenetic location: 5q22.2.
Variant type: single nucleotide variant.
Coding change: c.8514C>G on transcript NM_000038.6 (MANE Select); coding-DNA position 8514, C replaced by G.
Protein change: p.Tyr2838Ter; replaces tyrosine 2838 with a stop codon.
Molecular consequence: nonsense.
Genome position (GRCh38, 1-based): chr5:112,844,108, C>G. VCF-style: chr5-112844108-C-G. GRCh37 (hg19) VCF-style: chr5-112179805-C-G.
Other names: c.8514C>G, p.Tyr2838Ter (NM_001127510.3, NM_001354895.2); c.8460C>G, p.Tyr2820Ter (NM_001127511.3); c.8568C>G, p.Tyr2856Ter (NM_001354896.2); c.8544C>G, p.Tyr2848Ter (NM_001354897.2); c.8439C>G, p.Tyr2813Ter (NM_001354898.2); c.8430C>G, p.Tyr2810Ter (NM_001354899.2); c.8391C>G, p.Tyr2797Ter (NM_001354900.2); c.8337C>G, p.Tyr2779Ter (NM_001354901.2); and 5 more; short protein forms Y2820*, Y2838*, Y2712*, Y2779*, Y2797*, Y2813*, Y2555*, Y2856*.
Identifiers: ClinVar variation 233392 (VCV000233392.12), dbSNP rs876660375, ClinGen allele CA10578465.